The following is an entry in ClinVar:

ClinVar aggregate classification (germline): Uncertain significance. Review status: criteria provided, multiple submitters, no conflicts (2 of 4 stars). 2 submissions from 2 submitters: Uncertain significance (2). Last evaluated 2025-09-23.

Conditions:
Inborn genetic diseases. Identifiers: MedGen C0950123, MeSH D030342.

Submissions (2):

Labcorp Genetics (formerly Invitae), Labcorp
Classification: Uncertain significance. Last evaluated: 2025-09-23. Review status: criteria provided, single submitter. Criteria: Invitae Variant Classification Sherloc (09022015). Collection method: clinical testing. Allele origin: germline.
Comment: This sequence change replaces valine, which is neutral and non-polar, with leucine, which is neutral and non-polar, at codon 988 of the DCHS1 protein (p.Val988Leu). The frequency data for this variant in the population databases is considered unreliable, as metrics indicate poor data quality at this position in the gnomAD database. This variant has not been reported in the literature in individuals affected with DCHS1-related conditions. Invitae Evidence Modeling of protein sequence and biophysical properties (such as structural, functional, and spatial information, amino acid conservation, physicochemical variation, residue mobility, and thermodynamic stability) indicates that this missense variant is not expected to disrupt DCHS1 protein function with a negative predictive value of 80%. In summary, the available evidence is currently insufficient to determine the role of this variant in disease. Therefore, it has been classified as a Variant of Uncertain Significance.

Ambry Genetics
Classification: Uncertain significance for Inborn genetic diseases. Last evaluated: 2025-08-26. Review status: criteria provided, single submitter. Criteria: Ambry Variant Classification Scheme 2023. Collection method: clinical testing. Allele origin: germline.

NM_003737.4(DCHS1):c.2962G>T (p.Val988Leu)

Gene: DCHS1 (dachsous cadherin-related 1; minus strand). Cytogenetic location: 11p15.4.
Variant type: single nucleotide variant.
Coding change: c.2962G>T on transcript NM_003737.4 (MANE Select); coding-DNA position 2962, G replaced by T.
Protein change: p.Val988Leu; replaces valine 988 with leucine.
Molecular consequence: missense variant.
Genome position (GRCh38, 1-based): chr11:6,632,550, C>A on the plus strand (G>T on the coding strand, the complement: DCHS1 is on the minus strand). VCF-style: chr11-6632550-C-A. GRCh37 (hg19) VCF-style: chr11-6653781-C-A.
Other names: short protein forms V988L.
Identifiers: ClinVar variation 4238003 (VCV004238003.2).